The following is an entry in ClinVar:

NM_004006.3(DMD):c.8591G>A (p.Ser2864Asn)

Gene: DMD (dystrophin; minus strand). Cytogenetic location: Xp21.2.
Variant type: single nucleotide variant.
Coding change: c.8591G>A on transcript NM_004006.3 (MANE Select); coding-DNA position 8591, G replaced by A.
Protein change: p.Ser2864Asn; replaces serine 2864 with asparagine.
Molecular consequence: missense variant.
Genome position (GRCh38, 1-based): chrX:31,479,060, C>T on the plus strand (G>A on the coding strand, the complement: DMD is on the minus strand). VCF-style: chrX-31479060-C-T. GRCh37 (hg19) VCF-style: chrX-31497177-C-T.
Other names: c.8567G>A, p.Ser2856Asn (NM_000109.4); c.8579G>A, p.Ser2860Asn (NM_004009.3); c.8222G>A, p.Ser2741Asn (NM_004010.3); c.4568G>A, p.Ser1523Asn (NM_004011.4); c.4559G>A, p.Ser1520Asn (NM_004012.4); c.1211G>A, p.Ser404Asn (NM_004013.3, NM_004020.4, NM_004021.3 and 2 more transcripts); c.404G>A, p.Ser135Asn (NM_004014.3); short protein forms S1523N, S2856N, S2860N, S2864N, S135N, S1520N, S2741N, S404N.
Identifiers: ClinVar variation 1487130 (VCV001487130.8), dbSNP rs2149257355, ClinGen allele CA412654591.
Genomic context (GRCh38, chrX:31,479,060, plus strand): 5'-AGTTTCTCTAGTCCTTCCAAAGGCTGCTCTGTCAGAAATATTCGTACAGTCTCAAGAGTA[C>T]TCATGATTACAGGTTCTTTAGTTTTCAATTCCCTCTTGAAGGCCTGTGAAATGAGATGAA-3'
Protein context (NP_003997.2, residues 2854-2874): ELKTKEPVIM[Ser2864Asn]TLETVRIFLT

ClinVar aggregate classification (germline): Uncertain significance (1 of 4 stars; one submission).

Conditions:
Duchenne muscular dystrophy (DMD). Also called: Duchenne Muscular Dystrophy (DMD); MUSCULAR DYSTROPHY, PSEUDOHYPERTROPHIC PROGRESSIVE, DUCHENNE TYPE. Identifiers: Orphanet 98896, MedGen C0013264, MONDO:0010679, OMIM 310200.

Submission:

Labcorp Genetics (formerly Invitae), Labcorp
Classification: Uncertain significance for Duchenne muscular dystrophy. Last evaluated: 2020-11-21. Review status: criteria provided, single submitter. Criteria: Invitae Variant Classification Sherloc (09022015). Collection method: clinical testing. Allele origin: germline.
Comment: In summary, the available evidence is currently insufficient to determine the role of this variant in disease. Therefore, it has been classified as a Variant of Uncertain Significance. Algorithms developed to predict the effect of missense changes on protein structure and function (SIFT, PolyPhen-2, Align-GVGD) all suggest that this variant is likely to be tolerated, but these predictions have not been confirmed by published functional studies and their clinical significance is uncertain. This variant has not been reported in the literature in individuals with DMD-related conditions. This variant is not present in population databases (ExAC no frequency). This sequence change replaces serine with asparagine at codon 2864 of the DMD protein (p.Ser2864Asn). The serine residue is highly conserved and there is a small physicochemical difference between serine and asparagine.